The following continues an entry in ClinVar:

NM_002693.3(POLG):c.3151G>C (p.Gly1051Arg)

Gene: POLG. ClinVar aggregate classification (germline): Pathogenic/Likely pathogenic. Pathogenic (5); Likely pathogenic (8).

Submissions 8 to 16 of 16:

Revvity Omics, Revvity
Classification: Likely pathogenic. Last evaluated: 2024-03-29. Review status: criteria provided, single submitter. Criteria: ACMG Guidelines, 2015. Collection method: clinical testing. Allele origin: germline.

Baylor Genetics
Classification: Likely pathogenic for Progressive sclerosing poliodystrophy. Last evaluated: 2024-03-15. Review status: criteria provided, single submitter. Criteria: ACMG Guidelines, 2015. Collection method: clinical testing. Allele origin: unknown.

Blueprint Genetics
Classification: Likely pathogenic for POLG-related disorders. Last evaluated: 2023-09-28. Review status: criteria provided, single submitter. Criteria: ACMG Guidelines, 2015. Collection method: clinical testing. Allele origin: germline. Affected: yes. Observed: 3 variant alleles.

Laboratorio de Genetica e Diagnostico Molecular, Hospital Israelita Albert Einstein
Classification: Likely pathogenic. Last evaluated: 2019-05-21. Review status: criteria provided, single submitter. Criteria: ACMG Guidelines, 2015. Collection method: clinical testing. Allele origin: germline. Affected: yes.
Comment: ACMG classification criteria: PS1, PM2, PM3, PP2

Illumina Laboratory Services, Illumina
Classification: Likely pathogenic for POLG-Related Spectrum Disorders. Last evaluated: 2017-08-23. Review status: criteria provided, single submitter. Criteria: ICSL Variant Classification Criteria 09 May 2019. Collection method: clinical testing. Allele origin: germline.
Comment: The POLG c.3151G>C (p.Gly1051Arg) missense variant has been reported in a compound heterozygous state in at least three patients, including one pair of siblings (Mancuso et al. 2004; Formichi et al. 2016). One patient had developmental delay, epilepsy, ataxia, severe neuropathy, and achalasia, and the sibling pair had progressive external ophthalmoplegia. In one family, asymptomatic or oligosymptomatic relatives were reported to be heterozygous for the p.Gly1051Arg variant, and relatives who were oligosymptomatic did not have ptosis or ophthalmoplegia (Mancuso et al. 2004). This variant was absent from at least 120 control chromosomes but is reported at a frequency of 0.000036 in the European (non-Finnish) population from the Genome Aggregation Database. In a yeast model, the p.Gly1051Arg variant showed increased petite mutant frequency, signifying an increase in mtDNA instability, compared to wildtype when in a haploid state and slightly increased petite frequency when in a heterozygous state with wildtype (Baruffini et al. 2007). Further, when the p.Gly1051Arg variant was expressed in this yeast model in a compound heterozygous state with another missense variant, there was increased petite frequency compared to wildtype. Western blot analysis identified this variant expression was <10% of wildtype. Based on the evidence, the p.Gly1051Arg variant is considered likely pathogenic for POLG-related disorders. This variant was observed by ICSL as part of a predisposition screen in an ostensibly healthy population.

Kariminejad - Najmabadi Pathology & Genetics Center
Classification: Pathogenic for Progressive sclerosing poliodystrophy. Review status: criteria provided, single submitter. Criteria: ACMG Guidelines, 2015. Collection method: clinical testing. Allele origin: germline. Affected: no.

Centre de Biologie Pathologie Génétique, Centre Hospitalier Universitaire de Lille
Classification: Uncertain significance for Autosomal dominant non-syndromic intellectual disability. Last evaluated: 2019-01-01. Review status: no assertion criteria provided. Collection method: clinical testing. Allele origin: inherited. Affected: yes. Not counted in ClinVar's aggregate classification.

OMIM
Classification: Pathogenic for SENSORY ATAXIC NEUROPATHY, DYSARTHRIA, AND OPHTHALMOPARESIS. Last evaluated: 2004-01-27. Review status: no assertion criteria provided. Collection method: literature only. Allele origin: germline. Not counted in ClinVar's aggregate classification.

Department of Pathology and Laboratory Medicine, Sinai Health System
Classification: Uncertain significance. Review status: flagged submission. Collection method: clinical testing. Allele origin: unknown. Affected: yes. Study: The Canadian Open Genetics Repository (COGR). Not counted in ClinVar's aggregate classification.
Comment: The POLG p.Gly1051Arg variant was identified in the literature however the frequency of this variant in an affected population was not provided. The variant was also identified in dbSNP (ID: rs121918049) and in ClinVar (classified as conflicting interpretations of pathogenicity with one likely pathogenic submission by GeneDx, one VUS submission by Invitae and one pathogenic submission by OMIM; associated conditions are Progressive sclerosing poliodystrophy and Sensory ataxic neuropathy, dysarthria, and ophthalmoparesis). The variant was not identified in Cosmic or LOVD3.0. The variant was found in control databases in 5 of 251328 chromosomes at a frequency of 0.00002 (Genome Aggregation Database Feb 27, 2017) and observed in the following populations: European (non-Finnish) in 4 of 113636 chromosomes (freq: 0.000035) and Latino in 1 of 34582 chromosomes (freq: 0.000029), while the variant was not observed in the African, Ashkenazi Jewish, East Asian, European (Finnish), Other and South Asian populations. Other family members, generally asymptomatic, carried each mutation in isolation and neither mutation was found in 120 control alleles (Mancuso_2004_PMID: 14745080). Functional studies have been conflicting with regards to the effect on mitochondrial DNA (mtDNA) instability and protein function (Baruffini_2017_PMID: 17980715; Stumpf_2010_PMID: 20185557; Chan_2009_PMID: 19010300). The variant occurs outside of the splicing consensus sequence and in silico or computational prediction software programs (SpliceSiteFinder, MaxEntScan, NNSPLICE, GeneSplicer) do not predict a difference in splicing. The p.Gly1051 residue is conserved across mammals and other organisms, and computational analyses (PolyPhen-2, SIFT, AlignGVGD, BLOSUM, MutationTaster) suggest that the variant may impact the protein; however, this information is not predictive enough to assume pathogenicity. In summary, based on the above information the clinical significance of this variant cannot be determined with certainty at this time. This variant is classified as a variant of uncertain significance.
ClinVar note: Reason: Older claim that does not account for recent evidence

Literature cited by the submitters: PubMed 28130605 (cited by 4 submitters); PubMed 30451971 (cited by Victorian Clinical Genetics Services, Murdoch Childrens Research Institute); PubMed 38831166 (cited by Victorian Clinical Genetics Services, Murdoch Childrens Research Institute); PubMed 20301791 (cited by Victorian Clinical Genetics Services, Murdoch Childrens Research Institute); PubMed 14745080 (cited by 5 submitters); PubMed 17980715 (cited by 4 submitters); PubMed 30818899 (cited by Labcorp Genetics (formerly Invitae), Labcorp); PubMed 20185557 (cited by Labcorp Genetics (formerly Invitae), Labcorp); PubMed 29482223 (cited by Women's Health and Genetics/Laboratory Corporation of America, LabCorp); PubMed 27538665 (cited by Illumina Laboratory Services, Illumina).